The following is an entry in ClinVar:

NM_012073.5(CCT5):c.1379T>C (p.Met460Thr)

Gene: CCT5 (chaperonin containing TCP1 subunit 5; plus strand). Cytogenetic location: 5p15.2.
Variant type: single nucleotide variant.
Coding change: c.1379T>C on transcript NM_012073.5 (MANE Select); coding-DNA position 1379, T replaced by C.
Protein change: p.Met460Thr; replaces methionine 460 with threonine.
Molecular consequence: missense variant.
Genome position (GRCh38, 1-based): chr5:10,263,195, T>C. VCF-style: chr5-10263195-T-C. GRCh37 (hg19) VCF-style: chr5-10263307-T-C.
Other names: c.1316T>C, p.Met439Thr (NM_001306153.1); c.1214T>C, p.Met405Thr (NM_001306154.2); c.1100T>C, p.Met367Thr (NM_001306155.2); c.1265T>C, p.Met422Thr (NM_001306156.2); short protein forms M367T, M422T, M439T, M460T, M405T.
Identifiers: ClinVar variation 1517172 (VCV001517172.8), dbSNP rs376067681, ClinGen allele CA3198357.
Genomic context (GRCh38, chr5:10,263,195, plus strand): 5'-GCCCCACCTTAGAACAGTATGCCATGAGAGCGTTTGCCGACGCACTGGAGGTCATCCCCA[T>C]GGCCCTCTCTGAAAACAGTGGCATGAATCCCATCCAGACTATGACCGAAGTCCGAGCCAG-3'
Protein context (NP_036205.1, residues 450-470): AFADALEVIP[Met460Thr]ALSENSGMNP

ClinVar aggregate classification (germline): Uncertain significance (1 of 4 stars; one submission).

Conditions:
Hereditary sensory and autonomic neuropathy with spastic paraplegia (HSNSP). Identifiers: Orphanet 139578, MedGen C1850395, MONDO:0009748, OMIM 256840.

Allele frequency attached by ClinVar (database versions not stated): gnomAD exomes below 0.00001; ExAC 0.00001; TOPMed 0.00001; gnomAD 0.00002; ESP Exome Variant Server 0.00008.

Submission:

Labcorp Genetics (formerly Invitae), Labcorp
Classification: Uncertain significance for Hereditary sensory and autonomic neuropathy with spastic paraplegia. Last evaluated: 2020-11-13. Review status: criteria provided, single submitter. Criteria: Invitae Variant Classification Sherloc (09022015). Collection method: clinical testing. Allele origin: germline.
Comment: This variant has not been reported in the literature in individuals with CCT5-related conditions. In summary, the available evidence is currently insufficient to determine the role of this variant in disease. Therefore, it has been classified as a Variant of Uncertain Significance. Algorithms developed to predict the effect of missense changes on protein structure and function are either unavailable or do not agree on the potential impact of this missense change (SIFT: "Deleterious"; PolyPhen-2: "Benign"; Align-GVGD: "Class C45"). This variant is present in population databases (rs376067681, ExAC 0.01%). This sequence change replaces methionine with threonine at codon 460 of the CCT5 protein (p.Met460Thr). The methionine residue is highly conserved and there is a moderate physicochemical difference between methionine and threonine.